The following is an entry in ClinVar:

ClinVar aggregate classification (germline): Likely pathogenic. Review status: criteria provided, multiple submitters, no conflicts (2 of 4 stars). 4 submissions from 2 submitters: Likely pathogenic (4). Last evaluated 2022-09-06.

Conditions:
Ventricular arrhythmias due to cardiac ryanodine receptor calcium release deficiency syndrome. Also called: Autosomal dominant cardiac arrhythmia (Kuhn). Identifiers: MedGen C5542154, MONDO:0020745, OMIM 115000.
Catecholaminergic polymorphic ventricular tachycardia 1. Also called: VENTRICULAR TACHYCARDIA, CATECHOLAMINERGIC POLYMORPHIC, 1, WITH OR WITHOUT ATRIAL DYSFUNCTION AND/OR DILATED CARDIOMYOPATHY; RYR2-Related Catecholaminergic Polymorphic Ventricular Tachycardia; VENTRICULAR TACHYCARDIA, STRESS-INDUCED POLYMORPHIC 1. Identifiers: Orphanet 3286, MedGen C1631597, MONDO:0011484, OMIM 604772.
Arrhythmogenic right ventricular dysplasia 2. Identifiers: MedGen C1832931.

Submissions (4):

Labcorp Genetics (formerly Invitae), Labcorp
Classification: Likely pathogenic for Catecholaminergic polymorphic ventricular tachycardia 1. Last evaluated: 2022-09-06. Review status: criteria provided, single submitter. Criteria: Invitae Variant Classification Sherloc (09022015). Collection method: clinical testing. Allele origin: germline.
Comment: This variant has not been reported in the literature in individuals affected with RYR2-related conditions. In summary, the currently available evidence indicates that the variant is pathogenic, but additional data are needed to prove that conclusively. Therefore, this variant has been classified as Likely Pathogenic. This variant disrupts the p.Val3875 amino acid residue in RYR2. Other variant(s) that disrupt this residue have been determined to be pathogenic (Invitae). This suggests that this residue is clinically significant, and that variants that disrupt this residue are likely to be disease-causing. Advanced modeling of protein sequence and biophysical properties (such as structural, functional, and spatial information, amino acid conservation, physicochemical variation, residue mobility, and thermodynamic stability) performed at Invitae indicates that this missense variant is expected to disrupt RYR2 protein function. ClinVar contains an entry for this variant (Variation ID: 1480581). This variant is not present in population databases (gnomAD no frequency). This sequence change replaces valine, which is neutral and non-polar, with leucine, which is neutral and non-polar, at codon 3875 of the RYR2 protein (p.Val3875Leu).

Baylor Genetics
Classification: Likely pathogenic for Catecholaminergic polymorphic ventricular tachycardia 1. Last evaluated: 2021-06-11. Review status: criteria provided, single submitter. Criteria: ACMG Guidelines, 2015. Collection method: clinical testing. Allele origin: unknown.

Baylor Genetics
Classification: Likely pathogenic for Catecholaminergic polymorphic ventricular tachycardia 1. Last evaluated: 2021-06-11. Review status: criteria provided, single submitter. Criteria: ACMG Guidelines, 2015. Collection method: clinical testing. Allele origin: unknown.

Baylor Genetics
Classification: Likely pathogenic for Ventricular arrhythmias due to cardiac ryanodine receptor calcium release deficiency syndrome. Last evaluated: 2021-06-11. Review status: criteria provided, single submitter. Criteria: ACMG Guidelines, 2015. Collection method: clinical testing. Allele origin: unknown.

NM_001035.3(RYR2):c.11623G>T (p.Val3875Leu)

Gene: RYR2 (ryanodine receptor 2; plus strand). Cytogenetic location: 1q43.
Variant type: single nucleotide variant.
Coding change: c.11623G>T on transcript NM_001035.3 (MANE Select); coding-DNA position 11623, G replaced by T.
Protein change: p.Val3875Leu; replaces valine 3875 with leucine.
Molecular consequence: missense variant.
Genome position (GRCh38, 1-based): chr1:237,772,077, G>T. VCF-style: chr1-237772077-G-T. GRCh37 (hg19) VCF-style: chr1-237935377-G-T.
Other names: short protein forms V3875L.
Identifiers: ClinVar variation 1480581 (VCV001480581.10), dbSNP rs1060500137, ClinGen allele CA345407225.
Genomic context (GRCh38, chr1:237,772,077, plus strand): 5'-CAGAATTATCTGAGAACTCAGACTGGCAATAATACAACTGTCAACATAATTATCTCCACT[G>T]TAGACTACCTACTGAGAGTTCAGGTATGTTGCTTTCCATATTAGTAACAAATTAAAAGGG-3'
Protein context (NP_001026.2, residues 3865-3885): NTTVNIIIST[Val3875Leu]DYLLRVQESI